The following is an entry in ClinVar:

NC_000005.9:g.(?_89953702)_(89954115_?)del

Gene: ADGRV1 (adhesion G protein-coupled receptor V1; plus strand). Cytogenetic location: 5q14.3.
Variant type: Deletion.
Identifiers: ClinVar variation 2427008 (VCV002427008.4).

ClinVar aggregate classification (germline): Pathogenic (1 of 4 stars; one submission).

Submission:

Labcorp Genetics (formerly Invitae), Labcorp
Classification: Pathogenic. Last evaluated: 2023-12-02. Review status: criteria provided, single submitter. Criteria: Invitae Variant Classification Sherloc (09022015). Collection method: clinical testing. Allele origin: germline.
Comment: This variant is a gross deletion of the genomic region encompassing exon(s) 21 of the ADGRV1 gene. This deletion is out-of-frame, and is expected to create a premature termination codon and result in an absent or disrupted protein product. Loss-of-function variants in ADGRV1 are known to be pathogenic (PMID: 19357117, 22135276, 22147658, 26226137, 30718709, 31047384, 32467589). This variant has not been reported in the literature in individuals affected with ADGRV1-related conditions. For these reasons, this variant has been classified as Pathogenic.

Literature cited by the submitters: PubMed 19357117; PubMed 22135276; PubMed 22147658; PubMed 26226137; PubMed 30718709; PubMed 31047384; PubMed 32467589.